The following is an entry in ClinVar:

ClinVar aggregate classification (germline): Benign/Likely benign. Review status: criteria provided, multiple submitters, no conflicts (2 of 4 stars). 2 submissions from 2 submitters: Benign (1); Likely benign (1). Last evaluated 2025-04-01.

Conditions:
Inborn genetic diseases. Identifiers: MedGen C0950123, MeSH D030342.

Allele frequency attached by ClinVar (database versions not stated): gnomAD exomes 0.00003; ExAC 0.00005; gnomAD 0.00005; TOPMed 0.00005; ESP Exome Variant Server 0.00008.

Submissions (2):

CeGaT Center for Human Genetics Tuebingen
Classification: Benign. Last evaluated: 2025-04-01. Review status: criteria provided, single submitter. Criteria: CeGaT Center For Human Genetics Tuebingen Variant Classification Criteria Version 2. Collection method: clinical testing. Allele origin: germline. Affected: yes. Observed: 2 variant alleles.
Comment: SRRM2: BP4, BS1, BS2

Ambry Genetics
Classification: Likely benign for Inborn genetic diseases. Last evaluated: 2024-09-02. Review status: criteria provided, single submitter. Criteria: Ambry Variant Classification Scheme 2023. Collection method: clinical testing. Allele origin: germline.

NM_016333.4(SRRM2):c.4411A>G (p.Arg1471Gly)

Gene: SRRM2 (serine/arginine repetitive matrix 2; plus strand). Cytogenetic location: 16p13.3.
Variant type: single nucleotide variant.
Coding change: c.4411A>G on transcript NM_016333.4 (MANE Select); coding-DNA position 4411, A replaced by G.
Protein change: p.Arg1471Gly; replaces arginine 1471 with glycine.
Molecular consequence: missense variant.
Genome position (GRCh38, 1-based): chr16:2,764,939, A>G. VCF-style: chr16-2764939-A-G. GRCh37 (hg19) VCF-style: chr16-2814940-A-G.
Other names: c.4411A>G (NM_016333.3); short protein forms R1471G.
Identifiers: ClinVar variation 2646074 (VCV002646074.25), dbSNP rs144295249, ClinGen allele CA7848173.
Genomic context (GRCh38, chr16:2,764,939, plus strand): 5'-TCTGGGACTCCCTCGAGGCACAGCCTGTCTGGGTCCTCTCCTGGAATGAAAGATATACCT[A>G]GAACGCCATCTAGAGGGAGAAGCGAATGTGATTCTTCCCCAGAACCGAAAGCTTTGCCTC-3'
Protein context (NP_057417.3, residues 1461-1481): GSSPGMKDIP[Arg1471Gly]TPSRGRSECD